The following is an entry in ClinVar:

ClinVar aggregate classification (germline): Uncertain significance (1 of 4 stars; one submission).

Submission:

GeneDx
Classification: Uncertain significance. Last evaluated: 2023-08-21. Review status: criteria provided, single submitter. Criteria: GeneDx Variant Classification Process June 2021. Collection method: clinical testing. Allele origin: germline. Affected: yes.
Comment: Not observed at significant frequency in large population cohorts (gnomAD); In silico analysis supports that this missense variant has a deleterious effect on protein structure/function; Has not been previously published as pathogenic or benign to our knowledge; Variants in candidate genes are classified as variants of uncertain significance in accordance with ACMG guidelines (Richards et al., 2015)

NM_012433.4(SF3B1):c.3538A>G (p.Arg1180Gly)

Gene: SF3B1 (splicing factor 3b subunit 1; minus strand). Cytogenetic location: 2q33.1.
Variant type: single nucleotide variant.
Coding change: c.3538A>G on transcript NM_012433.4 (MANE Select); coding-DNA position 3538, A replaced by G.
Protein change: p.Arg1180Gly; replaces arginine 1180 with glycine.
Molecular consequence: missense variant.
Genome position (GRCh38, 1-based): chr2:197,396,057, T>C on the plus strand (A>G on the coding strand, the complement: SF3B1 is on the minus strand). VCF-style: chr2-197396057-T-C. GRCh37 (hg19) VCF-style: chr2-198260781-T-C.
Other names: short protein forms R1180G.
Identifiers: ClinVar variation 4755752 (VCV004755752.1).